The following is an entry in ClinVar:

ClinVar aggregate classification (germline): Uncertain significance (1 of 4 stars; one submission).

Conditions:
Neuroblastoma, susceptibility to, 3. Also called: ALK-Related Neuroblastic Tumor Susceptibility. Identifiers: Orphanet 635, MedGen C2751681, MONDO:0013083, OMIM 613014.

Submission:

Labcorp Genetics (formerly Invitae), Labcorp
Classification: Uncertain significance for Neuroblastoma, susceptibility to, 3. Last evaluated: 2024-05-12. Review status: criteria provided, single submitter. Criteria: Invitae Variant Classification Sherloc (09022015). Collection method: clinical testing. Allele origin: germline.
Comment: This sequence change replaces glycine, which is neutral and non-polar, with glutamic acid, which is acidic and polar, at codon 935 of the ALK protein (p.Gly935Glu). This variant is not present in population databases (gnomAD no frequency). This variant has not been reported in the literature in individuals affected with ALK-related conditions. An algorithm developed to predict the effect of missense changes on protein structure and function (PolyPhen-2) suggests that this variant is likely to be disruptive. In summary, the available evidence is currently insufficient to determine the role of this variant in disease. Therefore, it has been classified as a Variant of Uncertain Significance.

NM_004304.5(ALK):c.2804G>A (p.Gly935Glu)

Gene: ALK (ALK receptor tyrosine kinase; minus strand). Cytogenetic location: 2p23.2.
Variant type: single nucleotide variant.
Coding change: c.2804G>A on transcript NM_004304.5 (MANE Select); coding-DNA position 2804, G replaced by A.
Protein change: p.Gly935Glu; replaces glycine 935 with glutamic acid.
Molecular consequence: missense variant.
Genome position (GRCh38, 1-based): chr2:29,228,895, C>T on the plus strand (G>A on the coding strand, the complement: ALK is on the minus strand). VCF-style: chr2-29228895-C-T. GRCh37 (hg19) VCF-style: chr2-29451761-C-T.
Other names: short protein forms G935E.
Identifiers: ClinVar variation 3653071 (VCV003653071.2).
Genomic context (GRCh38, chr2:29,228,895, plus strand): 5'-TAGGACTAAGCAGGGAGGGAGTGACACCTTGAACACGAATCATCTTTACCTATATATCCT[C>T]CGCCTCCTCCACCTGAGGAGCACCCCCCTCCACCCCCTCCGAAACCCCCTCTTGTCTCCC-3'
Protein context (NP_004295.2, residues 925-945): GGGCSSGGGG[Gly935Glu]GYIGGNAASN